The following is an entry in ClinVar:

NM_017617.5(NOTCH1):c.6555C>T (p.Asp2185=)

Gene: NOTCH1 (notch receptor 1; minus strand). Cytogenetic location: 9q34.3.
Variant type: single nucleotide variant.
Coding change: c.6555C>T on transcript NM_017617.5 (MANE Select); coding-DNA position 6555, C replaced by T.
Protein change: p.Asp2185=; no amino-acid change (aspartic acid 2185 retained).
Molecular consequence: synonymous variant.
Genome position (GRCh38, 1-based): chr9:136,497,184, G>A on the plus strand (C>T on the coding strand, the complement: NOTCH1 is on the minus strand). VCF-style: chr9-136497184-G-A. GRCh37 (hg19) VCF-style: chr9-139391636-G-A.
Other names: p.Asp2185=; c.6555C>T, p.Asp2185= (LRG_1122t1); c.6555C>T (NM_017617.4).
Identifiers: ClinVar variation 286141 (VCV000286141.29), dbSNP rs2229974, ClinGen allele CA5339874.
Genomic context (GRCh38, chr9:136,497,184, plus strand): 5'-TGACTCCAGGGAGTCCACGGGCGAGAGCATGCCGGAGCTGTCCAGCAGGCAGCCCTTGCC[G>A]TCCTGGGACTTCTTCCTCCGTGCCTTGAGGTCCTTGGCCTCCTTGCTTCCACAGGCCAGG-3'
Protein context (NP_060087.3, residues 2175-2195): DLKARRKKSQ[Asp2185=]GKGCLLDSSG

ClinVar aggregate classification (germline): Benign. Review status: criteria provided, multiple submitters, no conflicts (2 of 4 stars). 14 submissions from 13 submitters: Benign (10). 4 of the submissions do not count toward it. Last evaluated 2026-02-04.

Conditions:
Aortic valve disease 1 (AOVD1). Identifiers: MedGen C3887892, MONDO:0024523, OMIM 109730.
Adams-Oliver syndrome 5 (AOS5). Identifiers: Orphanet 974, MedGen C4014970, MONDO:0014459, OMIM 616028.
Familial thoracic aortic aneurysm and aortic dissection (TAAD). Also called: Thoracic aortic aneurysms and dissections. Identifiers: Orphanet 91387, MedGen C4707243, MONDO:0019625.

Allele frequency attached by ClinVar (database versions not stated): gnomAD exomes 0.57267 and 0.62193; ESP Exome Variant Server 0.58127; gnomAD 0.58641 and 0.59546; TOPMed 0.60710; ExAC 0.61873; 1000 Genomes Project 30x 0.68957; 1000 Genomes Project 0.69509.
gnomAD v4.1: 927,716 of 1,612,574 alleles (58%); highest among the groups gnomAD compares: East Asian, 91%; 272,030 homozygotes.

Submissions (14):

Labcorp Genetics (formerly Invitae), Labcorp
Classification: Benign for Adams-Oliver syndrome 5. Last evaluated: 2026-02-04. Review status: criteria provided, single submitter. Criteria: Invitae Variant Classification Sherloc (09022015). Collection method: clinical testing. Allele origin: germline.

Blueprint Genetics
Classification: Benign. Last evaluated: 2024-11-27. Review status: criteria provided, single submitter. Criteria: ACMG Guidelines, 2015. Collection method: clinical testing. Allele origin: germline.

Women's Health and Genetics/Laboratory Corporation of America, LabCorp
Classification: Benign. Last evaluated: 2023-04-04. Review status: criteria provided, single submitter. Criteria: LabCorp Variant Classification Summary - May 2015. Collection method: clinical testing. Allele origin: germline.

Genome-Nilou Lab
Classification: Benign for Adams-Oliver syndrome 5. Last evaluated: 2021-09-05. Review status: criteria provided, single submitter. Criteria: ACMG Guidelines, 2015. Collection method: clinical testing. Allele origin: germline. Affected: no.

Genome-Nilou Lab
Classification: Benign for Aortic valve disease 1. Last evaluated: 2021-09-05. Review status: criteria provided, single submitter. Criteria: ACMG Guidelines, 2015. Collection method: clinical testing. Allele origin: germline. Affected: no.

Mayo Clinic Laboratories, Mayo Clinic
Classification: Benign. Last evaluated: 2017-11-10. Review status: criteria provided, single submitter. Criteria: ACMG Guidelines, 2015. Collection method: clinical testing. Allele origin: germline. Observed: 1,229 variant alleles.

GeneDx
Classification: Benign. Last evaluated: 2016-09-22. Review status: criteria provided, single submitter. Criteria: GeneDx Variant Classification (06012015). Collection method: clinical testing. Allele origin: germline. Affected: yes.
Comment: This variant is considered likely benign or benign based on one or more of the following criteria: it is a conservative change, it occurs at a poorly conserved position in the protein, it is predicted to be benign by multiple in silico algorithms, and/or has population frequency not consistent with disease.

Eurofins Ntd Llc (ga)
Classification: Benign. Last evaluated: 2016-02-05. Review status: criteria provided, single submitter. Criteria: EGL Classification Definitions 2015. Collection method: clinical testing. Allele origin: germline. Observed: 31 variant alleles, 14 heterozygotes, 17 homozygotes.

Ambry Genetics
Classification: Benign for Familial thoracic aortic aneurysm and aortic dissection. Last evaluated: 2014-12-30. Review status: criteria provided, single submitter. Criteria: Ambry Variant Classification Scheme 2023. Collection method: clinical testing. Allele origin: germline.

Breakthrough Genomics
Classification: Benign. Review status: criteria provided, single submitter. Criteria: ACMG Guidelines, 2015. Collection method: not provided. Allele origin: germline. Inheritance: Autosomal dominant inheritance. Affected: yes.

Clinical Genetics, Academic Medical Center
Classification: Benign. Review status: no assertion criteria provided. Collection method: clinical testing. Allele origin: germline. Affected: yes. Study: VKGL Data-share Consensus. Not counted in ClinVar's aggregate classification.

Diagnostic Laboratory, Department of Genetics, University Medical Center Groningen
Classification: Benign for Aortic valve disease 1. Review status: no assertion criteria provided. Collection method: clinical testing. Allele origin: germline. Affected: yes. Study: VKGL Data-share Consensus. Not counted in ClinVar's aggregate classification.

Genome Diagnostics Laboratory, Amsterdam University Medical Center
Classification: Benign. Review status: no assertion criteria provided. Collection method: clinical testing. Allele origin: germline. Affected: yes. Study: VKGL Data-share Consensus. Not counted in ClinVar's aggregate classification.

Joint Genome Diagnostic Labs from Nijmegen and Maastricht, Radboudumc and MUMC+
Classification: Benign. Review status: no assertion criteria provided. Collection method: clinical testing. Allele origin: germline. Affected: yes. Study: VKGL Data-share Consensus. Not counted in ClinVar's aggregate classification.

Literature cited by the submitters: PubMed 24943832 (cited by Women's Health and Genetics/Laboratory Corporation of America, LabCorp); PubMed 16614245 (cited by Women's Health and Genetics/Laboratory Corporation of America, LabCorp); PubMed 21670202 (cited by Women's Health and Genetics/Laboratory Corporation of America, LabCorp); PubMed 22210878 (cited by Women's Health and Genetics/Laboratory Corporation of America, LabCorp); PubMed 19635999 (cited by Women's Health and Genetics/Laboratory Corporation of America, LabCorp); PubMed 26837699 (cited by Women's Health and Genetics/Laboratory Corporation of America, LabCorp); PubMed 23086750 (cited by Women's Health and Genetics/Laboratory Corporation of America, LabCorp); PubMed 19245433 (cited by Women's Health and Genetics/Laboratory Corporation of America, LabCorp); PubMed 22077063 (cited by Women's Health and Genetics/Laboratory Corporation of America, LabCorp); PubMed 15472075 (cited by Women's Health and Genetics/Laboratory Corporation of America, LabCorp); PubMed 23734977 (cited by Women's Health and Genetics/Laboratory Corporation of America, LabCorp); PubMed 22858860 (cited by Women's Health and Genetics/Laboratory Corporation of America, LabCorp).